The following is an entry in ClinVar:

ClinVar aggregate classification (germline): Likely benign (1 of 4 stars; one submission).

Submission:

CeGaT Center for Human Genetics Tuebingen
Classification: Likely benign. Last evaluated: 2026-05-01. Review status: criteria provided, single submitter. Criteria: CeGaT Center For Human Genetics Tuebingen Variant Classification Criteria Version 2. Collection method: clinical testing. Allele origin: germline. Affected: yes. Observed: 1 variant allele.
Comment: MUC12: PM2:Supporting, BP4, BP7

NM_001164462.2(MUC12):c.9912C>T (p.Ser3304=)

Gene: MUC12 (mucin 12, cell surface associated; plus strand). Cytogenetic location: 7q22.1.
Variant type: single nucleotide variant.
Coding change: c.9912C>T on transcript NM_001164462.2 (MANE Select); coding-DNA position 9912, C replaced by T.
Protein change: p.Ser3304=; no amino-acid change (serine 3304 retained).
Molecular consequence: synonymous variant.
Genome position (GRCh38, 1-based): chr7:101,000,475, C>T. VCF-style: chr7-101000475-C-T. GRCh37 (hg19) VCF-style: chr7-100643756-C-T.
Identifiers: ClinVar variation 4872162 (VCV004872162.2).